The following is an entry in ClinVar:

ClinVar aggregate classification (germline): Uncertain significance. Review status: criteria provided, multiple submitters, no conflicts (2 of 4 stars). 3 submissions from 3 submitters: Uncertain significance (3). Last evaluated 2025-04-29.

Conditions:
Inborn genetic diseases. Identifiers: MedGen C0950123, MeSH D030342.

Allele frequency attached by ClinVar (database versions not stated): ExAC 0.00003; gnomAD 0.00003; gnomAD exomes 0.00004; TOPMed 0.00004.
gnomAD v4.1: 67 of 1,604,964 alleles (0.0042%); highest among the groups gnomAD compares: Middle Eastern, 0.038%; no homozygotes.

Submissions (3):

Ambry Genetics
Classification: Uncertain significance for Inborn genetic diseases. Last evaluated: 2025-04-29. Review status: criteria provided, single submitter. Criteria: Ambry Variant Classification Scheme 2023. Collection method: clinical testing. Allele origin: germline.

CeGaT Center for Human Genetics Tuebingen
Classification: Uncertain significance. Last evaluated: 2025-03-01. Review status: criteria provided, single submitter. Criteria: CeGaT Center For Human Genetics Tuebingen Variant Classification Criteria Version 2. Collection method: clinical testing. Allele origin: germline. Affected: yes. Observed: 2 variant alleles.
Comment: SPEG: PM2, BP4

Labcorp Genetics (formerly Invitae), Labcorp
Classification: Uncertain significance. Last evaluated: 2024-06-30. Review status: criteria provided, single submitter. Criteria: Invitae Variant Classification Sherloc (09022015). Collection method: clinical testing. Allele origin: germline.
Comment: This sequence change replaces serine, which is neutral and polar, with glycine, which is neutral and non-polar, at codon 2566 of the SPEG protein (p.Ser2566Gly). This variant is present in population databases (rs764160202, gnomAD 0.007%). This variant has not been reported in the literature in individuals affected with SPEG-related conditions. ClinVar contains an entry for this variant (Variation ID: 1895881). Algorithms developed to predict the effect of missense changes on protein structure and function output the following: SIFT: "Not Available"; PolyPhen-2: "Benign"; Align-GVGD: "Not Available". The glycine amino acid residue is found in multiple mammalian species, which suggests that this missense change does not adversely affect protein function. In summary, the available evidence is currently insufficient to determine the role of this variant in disease. Therefore, it has been classified as a Variant of Uncertain Significance.

NM_005876.5(SPEG):c.7696A>G (p.Ser2566Gly)

Genes: ASIC4-AS1 (ASIC4 antisense RNA 1; minus strand), SPEG (striated muscle enriched protein kinase; plus strand). Cytogenetic location: 2q35.
Variant type: single nucleotide variant.
Coding change: c.7696A>G on transcript NM_005876.5 (MANE Select); coding-DNA position 7696, A replaced by G.
Protein change: p.Ser2566Gly; replaces serine 2566 with glycine.
Molecular consequence: missense variant.
Genome position (GRCh38, 1-based): chr2:219,485,432, A>G. VCF-style: chr2-219485432-A-G. GRCh37 (hg19) VCF-style: chr2-220350154-A-G.
Other names: short protein forms S2566G.
Identifiers: ClinVar variation 1895881 (VCV001895881.13), dbSNP rs764160202, ClinGen allele CA2127251.